The following is an entry in ClinVar:

NM_005918.4(MDH2):c.733+2T>C

Gene: MDH2 (malate dehydrogenase 2; plus strand). Cytogenetic location: 7q11.23.
Variant type: single nucleotide variant.
Coding change: c.733+2T>C on transcript NM_005918.4 (MANE Select); the canonical splice donor site of the intron after coding-DNA position 733, T replaced by C.
Molecular consequence: splice donor variant.
Genome position (GRCh38, 1-based): chr7:76,064,440, T>C. VCF-style: chr7-76064440-T-C. GRCh37 (hg19) VCF-style: chr7-75693758-T-C.
Other names: c.607+2T>C (NM_001282403.2); c.412+2T>C (NM_001282404.2).
Identifiers: ClinVar variation 1411713 (VCV001411713.8), dbSNP rs1324318602, ClinGen allele CA367767718.

ClinVar aggregate classification (germline): Likely pathogenic (1 of 4 stars; one submission).

Allele frequency attached by ClinVar (database versions not stated): TOPMed below 0.00001; gnomAD 0.00001; gnomAD exomes 0.00001.

Submission:

Labcorp Genetics (formerly Invitae), Labcorp
Classification: Likely pathogenic. Last evaluated: 2024-01-24. Review status: criteria provided, single submitter. Criteria: Invitae Variant Classification Sherloc (09022015). Collection method: clinical testing. Allele origin: germline.
Comment: This sequence change affects a donor splice site in intron 7 of the MDH2 gene. It is expected to disrupt RNA splicing. Variants that disrupt the donor or acceptor splice site typically lead to a loss of protein function (PMID: 16199547), and loss-of-function variants in MDH2 are known to be pathogenic (PMID: 27989324). This variant is not present in population databases (gnomAD no frequency). This variant has not been reported in the literature in individuals affected with MDH2-related conditions. ClinVar contains an entry for this variant (Variation ID: 1411713). Algorithms developed to predict the effect of sequence changes on RNA splicing suggest that this variant may disrupt the consensus splice site. In summary, the currently available evidence indicates that the variant is pathogenic, but additional data are needed to prove that conclusively. Therefore, this variant has been classified as Likely Pathogenic.

Literature cited by the submitters: PubMed 16199547; PubMed 27989324.